The following is an entry in ClinVar:

NM_000135.4(FANCA):c.240_241insAAGA (p.Asp81fs)

Gene: FANCA (FA complementation group A; minus strand). Cytogenetic location: 16q24.3.
Variant type: Insertion.
Coding change: c.240_241insAAGA on transcript NM_000135.4 (MANE Select); coding-DNA positions 240 to 241, AAGA inserted.
Protein change: p.Asp81fs; shifts the reading frame from aspartic acid 81.
Molecular consequence: frameshift variant.
Genome position: GRCh38 VCF-style: chr16-89814562-C-CTCTT. GRCh37 (hg19) VCF-style: chr16-89880970-C-CTCTT.
Other names: c.240_241insAAGA, p.Asp81fs (NM_001018112.3, NM_001286167.3, NM_001351830.2); short protein forms D81fs.
Identifiers: ClinVar variation 5011303 (VCV005011303.1).

ClinVar aggregate classification (germline): Pathogenic (1 of 4 stars; one submission).

Conditions:
Fanconi anemia complementation group A (FANCA). Also called: Fanconi anemia, group A; FANCA-Related Fanconi Anemia. Identifiers: Orphanet 84, MedGen C3469521, MONDO:0009215, OMIM 227650.

Submission:

Myriad Genetics, Inc.
Classification: Pathogenic for Fanconi anemia complementation group A. Last evaluated: 2023-08-10. Review status: criteria provided, single submitter. Criteria: Myriad Autosomal Dominant, Autosomal Recessive and X-Linked Classification Criteria (2023). Collection method: clinical testing. Allele origin: unknown.
Comment: NM_000135.2(FANCA):c.240_241insAAGA(D81Kfs*5) is expected to be pathogenic in the context of Fanconi anemia complementation group A. This variant is predicted to lead to an abnormal or absent protein product due to the creation of a premature termination codon in FANCA, a gene where loss-of-function variants are known to be pathogenic. Please note: this variant was assessed in the context of healthy population screening.